The following is an entry in ClinVar:

ClinVar aggregate classification (germline): Uncertain significance. Review status: criteria provided, multiple submitters, no conflicts (2 of 4 stars). 3 submissions from 3 submitters: Uncertain significance (3). Last evaluated 2025-03-07.

Conditions:
Inborn genetic diseases. Identifiers: MedGen C0950123, MeSH D030342.

Allele frequency attached by ClinVar (database versions not stated): gnomAD 0.00001; gnomAD exomes 0.00001 and 0.00002; ExAC 0.00002; 1000 Genomes Project 30x 0.00016; 1000 Genomes Project 0.00020.
gnomAD v4.1: 9 of 1,614,184 alleles (0.00056%); highest among the groups gnomAD compares: Admixed American, 0.012%; no homozygotes.

Submissions (3):

Ambry Genetics
Classification: Uncertain significance for Inborn genetic diseases. Last evaluated: 2025-03-07. Review status: criteria provided, single submitter. Criteria: Ambry Variant Classification Scheme 2023. Collection method: clinical testing. Allele origin: germline.

Labcorp Genetics (formerly Invitae), Labcorp
Classification: Uncertain significance. Last evaluated: 2025-01-01. Review status: criteria provided, single submitter. Criteria: Invitae Variant Classification Sherloc (09022015). Collection method: clinical testing. Allele origin: germline.
Comment: This sequence change replaces cysteine, which is neutral and slightly polar, with tyrosine, which is neutral and polar, at codon 114 of the EYS protein (p.Cys114Tyr). This variant is present in population databases (rs533909681, gnomAD 0.01%). This variant has not been reported in the literature in individuals affected with EYS-related conditions. ClinVar contains an entry for this variant (Variation ID: 1352939). Invitae Evidence Modeling of protein sequence and biophysical properties (such as structural, functional, and spatial information, amino acid conservation, physicochemical variation, residue mobility, and thermodynamic stability) has been performed for this missense variant. However, the output from this modeling did not meet the statistical confidence thresholds required to predict the impact of this variant on EYS protein function. In summary, the available evidence is currently insufficient to determine the role of this variant in disease. Therefore, it has been classified as a Variant of Uncertain Significance.

Blueprint Genetics
Classification: Uncertain significance. Last evaluated: 2021-06-09. Review status: criteria provided, single submitter. Criteria: ACMG Guidelines, 2015. Collection method: clinical testing. Allele origin: germline.

NM_001142800.2(EYS):c.341G>A (p.Cys114Tyr)

Gene: EYS (EGF-like photoreceptor maintenance factor; minus strand). Cytogenetic location: 6q12.
Variant type: single nucleotide variant.
Coding change: c.341G>A on transcript NM_001142800.2 (MANE Select); coding-DNA position 341, G replaced by A.
Protein change: p.Cys114Tyr; replaces cysteine 114 with tyrosine.
Molecular consequence: missense variant.
Genome position (GRCh38, 1-based): chr6:65,495,070, C>T on the plus strand (G>A on the coding strand, the complement: EYS is on the minus strand). VCF-style: chr6-65495070-C-T. GRCh37 (hg19) VCF-style: chr6-66204963-C-T.
Other names: c.341G>A (NM_001142800.1); c.341G>A, p.Cys114Tyr (NM_001142801.2, NM_001292009.2, NM_198283.2); short protein forms C114Y.
Identifiers: ClinVar variation 1352939 (VCV001352939.6), dbSNP rs533909681, ClinGen allele CA3878090.